The following is an entry in ClinVar:

ClinVar aggregate classification (germline): Uncertain significance. Review status: criteria provided, multiple submitters, no conflicts (2 of 4 stars). 3 submissions from 3 submitters: Uncertain significance (3). Last evaluated 2026-06-04.

Conditions:
Immunodeficiency, common variable, 2 (CVID2). Also called: HYPOGAMMAGLOBULINEMIA DUE TO TACI DEFICIENCY; ANTIBODY DEFICIENCY DUE TO TACI DEFECT. Identifiers: Orphanet 1572, MedGen C3150354, MONDO:0009413, OMIM 240500.

Allele frequency attached by ClinVar (database versions not stated): ExAC 0.00002; TOPMed 0.00003; gnomAD 0.00005; gnomAD exomes 0.00002; ESP Exome Variant Server 0.00008.
gnomAD v4.1: 86 of 1,614,048 alleles (0.0053%); highest among the groups gnomAD compares: Non-Finnish European, 0.0069%; no homozygotes.

Submissions (4):

GeneDx
Classification: Uncertain significance. Last evaluated: 2026-06-04. Review status: criteria provided, single submitter. Criteria: GeneDx Variant Classification Process June 2021. Collection method: clinical testing. Allele origin: germline.
Comment: Identified in a patient with predominantly antibody deficiency (PAD) in the published literature (PMID: 40959164); In silico analysis supports a deleterious effect on splicing; This variant is associated with the following publications: (PMID: 40959164)

Clinical Genomics Laboratory, Washington University in St. Louis
Classification: Uncertain significance for Immunodeficiency, common variable, 2. Last evaluated: 2024-06-10. Review status: criteria provided, single submitter. Criteria: ACMG Guidelines, 2015. Collection method: clinical testing. Allele origin: germline.
Comment: The TNFRSF13B c.61+5G>A variant, to our knowledge, has not been reported in the medical literature but has been reported in the ClinVar database as a germline variant of uncertain significance by two submitters. This variant is only observed on 5/251,314 alleles in the general population (gnomAD v.2.1.1), indicating it is not a common variant. Computational predictors indicate that this variant would alter splicing, evidence that correlates to an impact of this variant on TNFRSF13B function. Additionally, other variants at this splice donor (c.61+2T>C, c.61+2T>A, c.61+1G>A, c.61+1G>T) are classified as pathogenic or likely pathogenic in ClinVar. Due to limited information, and based on ACMG/AMP guidelines for variant interpretation (Richards S et al., PMID: 25741868), the clinical significance of this variant is uncertain at this time.

Labcorp Genetics (formerly Invitae), Labcorp
Classification: Uncertain significance for Immunodeficiency, common variable, 2. Last evaluated: 2022-08-23. Review status: criteria provided, single submitter. Criteria: Invitae Variant Classification Sherloc (09022015). Collection method: clinical testing. Allele origin: germline.
Comment: This sequence change falls in intron 1 of the TNFRSF13B gene. It does not directly change the encoded amino acid sequence of the TNFRSF13B protein. It affects a nucleotide within the consensus splice site. This variant is present in population databases (rs374249932, gnomAD 0.007%). This variant has not been reported in the literature in individuals affected with TNFRSF13B-related conditions. ClinVar contains an entry for this variant (Variation ID: 851047). Variants that disrupt the consensus splice site are a relatively common cause of aberrant splicing (PMID: 17576681, 9536098). Algorithms developed to predict the effect of sequence changes on RNA splicing suggest that this variant may disrupt the consensus splice site. In summary, the available evidence is currently insufficient to determine the role of this variant in disease. Therefore, it has been classified as a Variant of Uncertain Significance.

Dr. Peter K. Rogan Lab, Western University
No classification provided (evidence only). Condition: Sarcoma. Review status: no classification provided. Collection method: in vitro. Allele origin: not applicable. Functional consequence: retained intron. Not counted in ClinVar's aggregate classification.

Literature cited by the submitters: PubMed 17576681 (cited by Labcorp Genetics (formerly Invitae), Labcorp); PubMed 9536098 (cited by Labcorp Genetics (formerly Invitae), Labcorp).

NM_012452.3(TNFRSF13B):c.61+5G>A

Gene: TNFRSF13B (TNF receptor superfamily member 13B; minus strand). Cytogenetic location: 17p11.2.
Variant type: single nucleotide variant.
Coding change: c.61+5G>A on transcript NM_012452.3 (MANE Select); 5 bases into the intron after coding-DNA position 61, G replaced by A.
Molecular consequence: intron variant.
Genome position (GRCh38, 1-based): chr17:16,972,010, C>T on the plus strand (G>A on the coding strand, the complement: TNFRSF13B is on the minus strand). VCF-style: chr17-16972010-C-T. GRCh37 (hg19) VCF-style: chr17-16875324-C-T.
Identifiers: ClinVar variation 851047 (VCV000851047.8), dbSNP rs374249932, ClinGen allele CA8414151.